The following is an entry in ClinVar:

NM_000423.3(KRT2):c.1325T>G (p.Leu442Trp)

Gene: KRT2 (keratin 2; minus strand). Cytogenetic location: 12q13.13.
Variant type: single nucleotide variant.
Coding change: c.1325T>G on transcript NM_000423.3 (MANE Select); coding-DNA position 1325, T replaced by G.
Protein change: p.Leu442Trp; replaces leucine 442 with tryptophan.
Molecular consequence: missense variant.
Genome position (GRCh38, 1-based): chr12:52,646,884, A>C on the plus strand (T>G on the coding strand, the complement: KRT2 is on the minus strand). VCF-style: chr12-52646884-A-C. GRCh37 (hg19) VCF-style: chr12-53040668-A-C.
Other names: short protein forms L442W.
Identifiers: ClinVar variation 2663521 (VCV002663521.1), dbSNP rs2498600001, ClinGen allele CA384930731.
Genomic context (GRCh38, chr12:52,646,884, plus strand): 5'-TCACGCAGCAGCCGCGCCAAGTCCTCCTTGGCCTGCTGCAGGGCCTCCTCCAGGTCATTC[A>C]ACTTGTTCCTGGCATCCTTGAGGGCATGCTCCCCACGCTGCTCGGCATCTGCGATGGCAT-3'
Protein context (NP_000414.2, residues 432-452): EHALKDARNK[Leu442Trp]NDLEEALQQA

ClinVar aggregate classification (germline): Uncertain significance (1 of 4 stars; one submission).

Submission:

GeneDx
Classification: Uncertain significance. Last evaluated: 2023-04-18. Review status: criteria provided, single submitter. Criteria: GeneDx Variant Classification Process June 2021. Collection method: clinical testing. Allele origin: germline. Affected: yes.
Comment: Has not been previously published as pathogenic or benign to our knowledge; Not observed at significant frequency in large population cohorts (gnomAD); In silico analysis supports that this missense variant has a deleterious effect on protein structure/function